The following is an entry in ClinVar:

ClinVar aggregate classification (germline): Likely pathogenic (0 of 4 stars; one submission).

Conditions:
Neurodevelopmental disorder with language impairment and behavioral abnormalities. Also called: GRIA2-related neurodevelopmental disorder. Identifiers: MedGen C5394502, MONDO:0030060, OMIM 618917.

Submission:

Clinical Genomics Laboratory, Stanford Medicine
Classification: Likely pathogenic for Neurodevelopmental disorder with language impairment and behavioral abnormalities. Last evaluated: 2021-06-03. Review status: no assertion criteria provided. Collection method: clinical testing. Allele origin: germline. Inheritance: Autosomal dominant inheritance. Affected: yes. Observed: 1 heterozygote.
Comment: This variant was absent from large population databases, including the Genome Aggregation Database. Computational tools predict that this variant is deleterious; however, the accuracy of in silico algorithms is limited. The GRIA2 gene has fewer missense variants in the general population than expected. A low rate of missense variation may suggest that this gene is intolerant to missense variation. These data were assessed using the ACMG/AMP variant interpretation guidelines. In summary, there is sufficient evidence to classify the p.Phe628Ser variant as likely pathogenic for GRIA2- related disease in an autosomal dominant manner based on the information above. [ACMG evidence codes used: PS2_moderate, PM2, PP3, PP2]

NM_001083619.3(GRIA2):c.1883T>C (p.Phe628Ser)

Gene: GRIA2 (glutamate ionotropic receptor AMPA type subunit 2; plus strand). Cytogenetic location: 4q32.1.
Variant type: single nucleotide variant.
Coding change: c.1883T>C on transcript NM_001083619.3 (MANE Select); coding-DNA position 1883, T replaced by C.
Protein change: p.Phe628Ser; replaces phenylalanine 628 with serine.
Molecular consequence: missense variant.
Genome position (GRCh38, 1-based): chr4:157,341,302, T>C. VCF-style: chr4-157341302-T-C. GRCh37 (hg19) VCF-style: chr4-158262454-T-C.
Other names: p.Phe628Ser; c.1883T>C, p.Phe628Ser (NM_000826.6); c.1742T>C, p.Phe581Ser (NM_001083620.3, NM_001379000.3, NM_001379001.3); short protein forms F581S, F628S.
Identifiers: ClinVar variation 2683746 (VCV002683746.1), dbSNP rs2530775670, ClinGen allele CA358648824.